The following is an entry in ClinVar:

NM_001131016.2(CIZ1):c.1586G>A (p.Gly529Glu)

Gene: CIZ1 (CDKN1A interacting zinc finger protein 1; minus strand). Cytogenetic location: 9q34.11.
Variant type: single nucleotide variant.
Coding change: c.1586G>A on transcript NM_001131016.2 (MANE Select); coding-DNA position 1586, G replaced by A.
Protein change: p.Gly529Glu; replaces glycine 529 with glutamic acid.
Molecular consequence: missense variant.
Genome position (GRCh38, 1-based): chr9:128,178,403, C>T on the plus strand (G>A on the coding strand, the complement: CIZ1 is on the minus strand). VCF-style: chr9-128178403-C-T. GRCh37 (hg19) VCF-style: chr9-130940682-C-T.
Other names: c.1418G>A, p.Gly473Glu (NM_001131015.2); c.1403G>A, p.Gly468Glu (NM_001131017.2); c.1346G>A, p.Gly449Glu (NM_001131018.2); c.1676G>A, p.Gly559Glu (NM_001257975.2); c.1283G>A, p.Gly428Glu (NM_001257976.2); c.1586G>A, p.Gly529Glu (NM_012127.3); c.1586G>A (NM_012127.2); short protein forms G449E, G468E, G529E, G428E, G473E, G559E.
Identifiers: ClinVar variation 2040353 (VCV002040353.5), dbSNP rs773847029, ClinGen allele CA5257273.
Genomic context (GRCh38, chr9:128,178,403, plus strand): 5'-ACTGCCACATCAGGGCCTCTACCCACCCCTGGCATCTCTCTCGCTCTGTTTTCACATTCT[C>T]CCACATCTAGGCCACAGGCCGACTCATTCTGAATCTCTTCCATGCTGACTTGGGTGCCCA-3'
Protein context (NP_001124488.1, residues 519-539): QNESACGLDV[Gly529Glu]ECENRAREMP

ClinVar aggregate classification (germline): Uncertain significance. Review status: criteria provided, multiple submitters, no conflicts (2 of 4 stars). 2 submissions from 2 submitters: Uncertain significance (2). Last evaluated 2025-06-10.

Conditions:
Dystonic disorder. Also called: Dystonia. Identifiers: MedGen C0013421, MONDO:0003441, HP:0001332.

Allele frequency attached by ClinVar (database versions not stated): gnomAD exomes 0.00001; TOPMed 0.00004; gnomAD 0.00001; ExAC 0.00002.
gnomAD v4.1: 9 of 1,613,824 alleles (0.00056%); highest among the groups gnomAD compares: Admixed American, 0.01%; no homozygotes.

Submissions (2):

Ambry Genetics
Classification: Uncertain significance. Last evaluated: 2025-06-10. Review status: criteria provided, single submitter. Criteria: Ambry Variant Classification Scheme 2023. Collection method: clinical testing. Allele origin: germline.

Labcorp Genetics (formerly Invitae), Labcorp
Classification: Uncertain significance for Dystonic disorder. Last evaluated: 2022-08-25. Review status: criteria provided, single submitter. Criteria: Invitae Variant Classification Sherloc (09022015). Collection method: clinical testing. Allele origin: germline.
Comment: In summary, the available evidence is currently insufficient to determine the role of this variant in disease. Therefore, it has been classified as a Variant of Uncertain Significance. Algorithms developed to predict the effect of sequence changes on RNA splicing suggest that this variant may create or strengthen a splice site. Algorithms developed to predict the effect of missense changes on protein structure and function are either unavailable or do not agree on the potential impact of this missense change (SIFT: "Deleterious"; PolyPhen-2: "Possibly Damaging"; Align-GVGD: "Class C15"). This variant has not been reported in the literature in individuals affected with CIZ1-related conditions. This variant is present in population databases (rs773847029, gnomAD 0.01%). This sequence change replaces glycine, which is neutral and non-polar, with glutamic acid, which is acidic and polar, at codon 529 of the CIZ1 protein (p.Gly529Glu).